The following is an entry in ClinVar:

ClinVar aggregate classification (germline): Likely pathogenic (1 of 4 stars; one submission).

Conditions:
Oocyte/zygote/embryo maturation arrest 18 (OZEMA18). Identifiers: MedGen C5830441, MONDO:0957230, OMIM 620332.

gnomAD v4.1: 3 of 1,613,990 alleles (0.00019%); highest among the groups gnomAD compares: African/African-American, 0.0027%; no homozygotes.

Submission:

Department of Molecular Genetics, Istishari Arab Hospital
Classification: Likely pathogenic for Oocyte/zygote/embryo maturation arrest 18. Last evaluated: 2025-11-10. Review status: criteria provided, single submitter. Criteria: ACMG Guidelines, 2015. Collection method: clinical testing. Allele origin: germline. Inheritance: Autosomal recessive inheritance. Affected: yes.
Comment: The NLRP2 variant c.2537+1G>C affects the canonical splice site and is predicted to disrupt normal protein function. To the best of our knowledge, this variant has not been previously reported in the literature and is not observed in the gnomAD v4.1.0 dataset. It is classified as likely pathogenic based on ACMG/AMP/ClinGen SVI guidelines.

NM_017852.5(NLRP2):c.2537+1G>C

Gene: NLRP2 (NLR family pyrin domain containing 2; plus strand). Cytogenetic location: 19q13.42.
Variant type: single nucleotide variant.
Coding change: c.2537+1G>C on transcript NM_017852.5 (MANE Select); the canonical splice donor site of the intron after coding-DNA position 2537, G replaced by C.
Molecular consequence: splice donor variant. On other transcripts: non-coding transcript variant (1).
Genome position (GRCh38, 1-based): chr19:54,990,193, G>C. VCF-style: chr19-54990193-G-C. GRCh37 (hg19) VCF-style: chr19-55501561-G-C.
Other names: c.2537+1G>C (NM_001174081.3); c.2528+1G>C (NM_001348003.2); c.2471+1G>C (NM_001174082.3); c.2468+1G>C (NM_001174083.2).
Identifiers: ClinVar variation 4528336 (VCV004528336.1).
Genomic context (GRCh38, chr19:54,990,193, plus strand): 5'-GGGTGCTAAGTTGCTGTACACAACTTTGAGACACCCCAAGTGCTTTCTGCAGAGGTTGTC[G>C]TAAGTCTCTCCTCTCTTACAGAGCAGCTGTGCTTTCGATCTGGGGCCACAGACGAGCAAT-3'